The following is an entry in ClinVar:

NM_022114.4(PRDM16):c.1573dup (p.Arg525fs)

Gene: PRDM16 (PR/SET domain 16; plus strand). Cytogenetic location: 1p36.32.
Variant type: Duplication.
Coding change: c.1573dup on transcript NM_022114.4 (MANE Select); coding-DNA position 1573, one base duplicated (C; older notation c.1573dupC).
Protein change: p.Arg525fs; shifts the reading frame from arginine 525.
Molecular consequence: frameshift variant.
Genome position (GRCh38, 1-based): chr1:3,411,770, C duplicated; the last of 5 consecutive C bases (chr1:3,411,766-3,411,770); duplicating any one gives the same sequence. VCF-style (leftmost placement, unchanged base first): chr1-3411765-A-AC. GRCh37 (hg19) VCF-style: chr1-3328329-A-AC.
Other names: 1-BP DUP, 1573C; c.1573dup (NM_022114.3); c.1573dupC (NM_022114.3); c.1573dup, p.Arg525fs (NM_199454.3).
Identifiers: ClinVar variation 60725 (VCV000060725.3), dbSNP rs886041395, ClinGen allele CA10602802.

ClinVar aggregate classification (germline): Pathogenic. Review status: criteria provided, multiple submitters, no conflicts (2 of 4 stars). 3 submissions from 3 submitters: Pathogenic (2). 1 of the submissions does not count toward it. Last evaluated 2025-10-30.

Conditions:
Left ventricular noncompaction 8 (LVNC8). Identifiers: Orphanet 154, Orphanet 54260, MedGen C3809288, MONDO:0014152, OMIM 615373.
Left ventricular noncompaction cardiomyopathy. Also called: left ventricular non-compaction cardiomyopathy. Identifiers: MedGen C4021133, HP:0011664.

Submissions (3):

GeneDx
Classification: Pathogenic. Last evaluated: 2025-10-30. Review status: criteria provided, single submitter. Criteria: GeneDx Variant Classification Process June 2021. Collection method: clinical testing. Allele origin: germline. Affected: yes.
Comment: Identified in a patient with LVNC and in a patient with DCM in the published literature (PMID: 34935411, 23768516); Frameshift variant predicted to result in protein truncation or nonsense mediated decay in a gene for which loss of function is a known mechanism of disease; Not observed at significant frequency in large population cohorts (gnomAD); This variant is associated with the following publications: (PMID: 33057194, 35982159, 24387995, 34935411, 23768516)

Klaassen Lab, Charite University Medicine Berlin
Classification: Pathogenic for Left ventricular noncompaction cardiomyopathy. Review status: criteria provided, single submitter. Criteria: ACMG Guidelines, 2015. Collection method: research. Allele origin: germline. Affected: yes.

OMIM
Classification: Pathogenic for LEFT VENTRICULAR NONCOMPACTION 8. Last evaluated: 2013-07-11. Review status: no assertion criteria provided. Collection method: literature only. Allele origin: germline. Not counted in ClinVar's aggregate classification.

Literature cited by the submitters: PubMed 34540771 (cited by Klaassen Lab, Charite University Medicine Berlin); PubMed 23768516 (cited by OMIM).